The following is an entry in ClinVar:

ClinVar aggregate classification (germline): Uncertain significance (1 of 4 stars; one submission).

Conditions:
Inborn genetic diseases. Identifiers: MedGen C0950123, MeSH D030342.

gnomAD v4.1: 2 of 1,612,056 alleles (0.00012%); no homozygotes.

Submission:

Ambry Genetics
Classification: Uncertain significance for Inborn genetic diseases. Last evaluated: 2025-12-22. Review status: criteria provided, single submitter. Criteria: Ambry Variant Classification Scheme 2023. Collection method: clinical testing. Allele origin: germline.
Comment: The c.1335A>T (p.Q445H) alteration is located in exon 10 (coding exon 10) of the GRHL2 gene. This alteration results from a A to T substitution at nucleotide position 1335, causing the glutamine (Q) at amino acid position 445 to be replaced by a histidine (H). Based on data from gnomAD, the T allele has an overall frequency of <0.001% (1/250578) total alleles studied. The highest observed frequency was <0.001% (/) of alleles. Based on insufficient or conflicting evidence, the clinical significance of this alteration remains unclear.

NM_024915.4(GRHL2):c.1335A>T (p.Gln445His)

Gene: GRHL2 (grainyhead like transcription factor 2; plus strand). Cytogenetic location: 8q22.3.
Variant type: single nucleotide variant.
Coding change: c.1335A>T on transcript NM_024915.4 (MANE Select); coding-DNA position 1335, A replaced by T.
Protein change: p.Gln445His; replaces glutamine 445 with histidine.
Molecular consequence: missense variant.
Genome position (GRCh38, 1-based): chr8:101,631,714, A>T. VCF-style: chr8-101631714-A-T. GRCh37 (hg19) VCF-style: chr8-102643942-A-T.
Other names: c.1287A>T, p.Gln429His (NM_001330593.2, NM_001440448.1); c.1335A>T, p.Gln445His (NM_001440447.1); short protein forms Q429H, Q445H.
Identifiers: ClinVar variation 4837750 (VCV004837750.1).